The following is an entry in ClinVar:

ClinVar aggregate classification (germline): Uncertain significance. Review status: criteria provided, multiple submitters, no conflicts (2 of 4 stars). 2 submissions from 2 submitters: Uncertain significance (2). Last evaluated 2022-08-23.

Conditions:
Baller-Gerold syndrome (BGS). Also called: CRANIOSYNOSTOSIS WITH RADIAL DEFECTS. Identifiers: Orphanet 1225, MedGen C0265308, MONDO:0009039, OMIM 218600.

Allele frequency attached by ClinVar (database versions not stated): gnomAD exomes 0.00001.
gnomAD v4.1: 7 of 1,567,880 alleles (0.00045%); highest among the groups gnomAD compares: Non-Finnish European, 0.0006%; no homozygotes.

Submissions (2):

GeneDx
Classification: Uncertain significance. Last evaluated: 2022-08-23. Review status: criteria provided, single submitter. Criteria: GeneDx Variant Classification Process June 2021. Collection method: clinical testing. Allele origin: germline. Affected: yes.
Comment: Not observed at significant frequency in large population cohorts (gnomAD); In silico analysis supports that this missense variant does not alter protein structure/function; Has not been previously published as pathogenic or benign to our knowledge

Labcorp Genetics (formerly Invitae), Labcorp
Classification: Uncertain significance for Baller-Gerold syndrome. Last evaluated: 2022-05-16. Review status: criteria provided, single submitter. Criteria: Invitae Variant Classification Sherloc (09022015). Collection method: clinical testing. Allele origin: germline.
Comment: This sequence change replaces threonine, which is neutral and polar, with alanine, which is neutral and non-polar, at codon 858 of the RECQL4 protein (p.Thr858Ala). This variant is not present in population databases (gnomAD no frequency). This variant has not been reported in the literature in individuals affected with RECQL4-related conditions. In summary, the available evidence is currently insufficient to determine the role of this variant in disease. Therefore, it has been classified as a Variant of Uncertain Significance. Algorithms developed to predict the effect of missense changes on protein structure and function output the following: SIFT: "Not Available"; PolyPhen-2: "Not Available"; Align-GVGD: "Not Available". The alanine amino acid residue is found in multiple mammalian species, which suggests that this missense change does not adversely affect protein function. ClinVar contains an entry for this variant (Variation ID: 658828).

NM_004260.4(RECQL4):c.2572A>G (p.Thr858Ala)

Gene: RECQL4 (RecQ like helicase 4; minus strand). Cytogenetic location: 8q24.3.
Variant type: single nucleotide variant.
Coding change: c.2572A>G on transcript NM_004260.4 (MANE Select); coding-DNA position 2572, A replaced by G.
Protein change: p.Thr858Ala; replaces threonine 858 with alanine.
Molecular consequence: missense variant.
Genome position (GRCh38, 1-based): chr8:144,513,030, T>C on the plus strand (A>G on the coding strand, the complement: RECQL4 is on the minus strand). VCF-style: chr8-144513030-T-C. GRCh37 (hg19) VCF-style: chr8-145738413-T-C.
Other names: short protein forms T858A.
Identifiers: ClinVar variation 658828 (VCV000658828.6), dbSNP rs1586799711, ClinGen allele CA372677018.